The following is an entry in ClinVar:

ClinVar aggregate classification (germline): Conflicting classifications of pathogenicity. Review status: criteria provided, conflicting classifications (1 of 4 stars). 9 submissions from 9 submitters: Uncertain significance (1); Benign (4); Likely benign (4). Last evaluated 2026-01-19.

Conditions:
Tuberous sclerosis syndrome (TSC). Also called: Tuberous Sclerosis Complex; Tuberous sclerosis. Identifiers: Orphanet 805, MedGen C0041341, MONDO:0001734.
Hereditary cancer-predisposing syndrome. Also called: Hereditary neoplastic syndrome; Tumor predisposition; Neoplastic Syndromes, Hereditary; Hereditary Cancer Syndrome. Identifiers: Orphanet 140162, MedGen C0027672, MeSH D009386, MONDO:0015356.
Tuberous sclerosis 2 (TSC2). Identifiers: Orphanet 805, MedGen C1860707, MONDO:0013199, OMIM 613254.

Allele frequency attached by ClinVar (database versions not stated): gnomAD 0.00001 and 0.00002; TOPMed 0.00001; gnomAD exomes 0.00006; ExAC 0.00007.
gnomAD v4.1: 57 of 1,613,122 alleles (0.0035%); highest among the groups gnomAD compares: South Asian, 0.025%; no homozygotes.

Submissions (9):

Labcorp Genetics (formerly Invitae), Labcorp
Classification: Benign for Tuberous sclerosis 2. Last evaluated: 2026-01-19. Review status: criteria provided, single submitter. Criteria: Invitae Variant Classification Sherloc (09022015). Collection method: clinical testing. Allele origin: germline.

Myriad Genetics, Inc.
Classification: Benign for Tuberous sclerosis 2. Last evaluated: 2025-05-27. Review status: criteria provided, single submitter. Criteria: Myriad Autosomal Dominant, Autosomal Recessive and X-Linked Classification Criteria (2023). Collection method: clinical testing. Allele origin: unknown.
Comment: This variant is considered benign. This variant is a silent/synonymous amino acid change and it is not expected to impact splicing.

Blueprint Genetics
Classification: Likely benign. Last evaluated: 2024-07-23. Review status: criteria provided, single submitter. Criteria: ACMG Guidelines, 2015. Collection method: clinical testing. Allele origin: germline.

CeGaT Center for Human Genetics Tuebingen
Classification: Likely benign. Last evaluated: 2023-06-01. Review status: criteria provided, single submitter. Criteria: CeGaT Center For Human Genetics Tuebingen Variant Classification Criteria Version 2. Collection method: clinical testing. Allele origin: germline. Affected: yes. Observed: 1 variant allele.
Comment: TSC2: BP4, BP7

Color Diagnostics, LLC DBA Color Health
Classification: Benign for Tuberous sclerosis syndrome. Last evaluated: 2022-09-28. Review status: criteria provided, single submitter. Criteria: ACMG Guidelines, 2015. Collection method: clinical testing. Allele origin: germline.

Sema4
Classification: Benign for Hereditary cancer-predisposing syndrome. Last evaluated: 2022-01-06. Review status: criteria provided, single submitter. Criteria: Sema4 Curation Guidelines. Collection method: curation. Allele origin: germline.

Genome-Nilou Lab
Classification: Likely benign for Tuberous sclerosis 2. Last evaluated: 2021-11-07. Review status: criteria provided, single submitter. Criteria: ACMG Guidelines, 2015. Collection method: clinical testing. Allele origin: germline. Affected: no.

Eurofins Ntd Llc (ga)
Classification: Uncertain significance. Last evaluated: 2017-05-10. Review status: criteria provided, single submitter. Criteria: EGL Classification Definitions 2015. Collection method: clinical testing. Allele origin: germline. Observed: 1 variant allele, 1 heterozygote.

Ambry Genetics
Classification: Likely benign for Hereditary cancer-predisposing syndrome. Last evaluated: 2015-12-02. Review status: criteria provided, single submitter. Criteria: Ambry Variant Classification Scheme 2023. Collection method: clinical testing. Allele origin: germline.

NM_000548.5(TSC2):c.2823C>T (p.Asn941=)

Gene: TSC2 (TSC complex subunit 2; plus strand). Cytogenetic location: 16p13.3.
Variant type: single nucleotide variant.
Coding change: c.2823C>T on transcript NM_000548.5 (MANE Select); coding-DNA position 2823, C replaced by T.
Protein change: p.Asn941=; no amino-acid change (asparagine 941 retained).
Molecular consequence: synonymous variant.
Genome position (GRCh38, 1-based): chr16:2,076,571, C>T. VCF-style: chr16-2076571-C-T. GRCh37 (hg19) VCF-style: chr16-2126572-C-T.
Other names: c.2823C>T, p.Asn941= (NM_001077183.3, NM_001114382.3, NM_001363528.2 and 3 more transcripts); c.2712C>T, p.Asn904= (NM_001318827.2); c.2676C>T, p.Asn892= (NM_001318829.2); c.2223C>T, p.Asn741= (NM_001318831.2); c.2856C>T, p.Asn952= (NM_001318832.2).
Identifiers: ClinVar variation 467972 (VCV000467972.46), dbSNP rs750806272, ClinGen allele CA042060.